The following is an entry in ClinVar:

ClinVar aggregate classification (germline): Benign/Likely benign. Review status: criteria provided, multiple submitters, no conflicts (2 of 4 stars). 3 submissions from 3 submitters: Benign (1); Likely benign (2). Last evaluated 2026-09-01.

Allele frequency attached by ClinVar (database versions not stated): gnomAD exomes 0.00587; gnomAD 0.00590 and 0.00579; 1000 Genomes Project 0.00339; 1000 Genomes Project 30x 0.00500; TOPMed 0.00537; ESP Exome Variant Server 0.00554; ExAC 0.00563.
gnomAD v4.1: 12,641 of 1,613,950 alleles (0.78%); highest among the groups gnomAD compares: East Asian, 1.2%; 67 homozygotes.

Submissions (3):

CeGaT Center for Human Genetics Tuebingen
Classification: Benign. Last evaluated: 2026-09-01. Review status: criteria provided, single submitter. Criteria: CeGaT Center For Human Genetics Tuebingen Variant Classification Criteria Version 2. Collection method: clinical testing. Allele origin: germline. Affected: yes. Observed: 25 variant alleles.
Comment: FAT2: PP2, BP4, BS1, BS2

Labcorp Genetics (formerly Invitae), Labcorp
Classification: Likely benign. Last evaluated: 2026-01-13. Review status: criteria provided, single submitter. Criteria: Invitae Variant Classification Sherloc (09022015). Collection method: clinical testing. Allele origin: germline.

Breakthrough Genomics
Classification: Likely benign. Review status: criteria provided, single submitter. Criteria: ACMG Guidelines, 2015. Collection method: not provided. Allele origin: germline. Inheritance: Autosomal dominant inheritance. Affected: yes.

NM_001447.3(FAT2):c.742C>T (p.Pro248Ser)

Gene: FAT2 (FAT atypical cadherin 2; minus strand). Cytogenetic location: 5q33.1.
Variant type: single nucleotide variant.
Coding change: c.742C>T on transcript NM_001447.3 (MANE Select); coding-DNA position 742, C replaced by T.
Protein change: p.Pro248Ser; replaces proline 248 with serine.
Molecular consequence: missense variant.
Genome position (GRCh38, 1-based): chr5:151,568,190, G>A on the plus strand (C>T on the coding strand, the complement: FAT2 is on the minus strand). VCF-style: chr5-151568190-G-A. GRCh37 (hg19) VCF-style: chr5-150947751-G-A.
Other names: short protein forms P248S.
Identifiers: ClinVar variation 777597 (VCV000777597.36), dbSNP rs3734061, ClinGen allele CA3522377.